The following is an entry in ClinVar:

ClinVar aggregate classification (germline): Uncertain significance (1 of 4 stars; one submission).

gnomAD v4.1: 2 of 1,539,284 alleles (0.00013%); highest among the groups gnomAD compares: African/African-American, 0.0028%; no homozygotes.

Submission:

Ambry Genetics
Classification: Uncertain significance. Last evaluated: 2025-11-07. Review status: criteria provided, single submitter. Criteria: Ambry Variant Classification Scheme 2023. Collection method: clinical testing. Allele origin: germline.
Comment: The c.7A>G (p.M3V) alteration is located in exon 2 (coding exon 1) of the ELAC1 gene. This alteration results from a A to G substitution at nucleotide position 7, causing the methionine (M) at amino acid position 3 to be replaced by a valine (V). Based on data from gnomAD, the G allele has an overall frequency of <0.001% (1/190252) total alleles studied. The highest observed frequency was 0.007% (1/15092) of African alleles. Based on insufficient or conflicting evidence, the clinical significance of this alteration remains unclear.

NM_018696.3(ELAC1):c.7A>G (p.Met3Val)

Gene: ELAC1 (elaC ribonuclease Z 1; plus strand). Cytogenetic location: 18q21.2.
Variant type: single nucleotide variant.
Coding change: c.7A>G on transcript NM_018696.3 (MANE Select); coding-DNA position 7, A replaced by G.
Protein change: p.Met3Val; replaces methionine 3 with valine.
Molecular consequence: missense variant.
Genome position (GRCh38, 1-based): chr18:50,974,411, A>G. VCF-style: chr18-50974411-A-G. GRCh37 (hg19) VCF-style: chr18-48500781-A-G.
Other names: short protein forms M3V.
Identifiers: ClinVar variation 4663762 (VCV004663762.1).